The following is an entry in ClinVar:

ClinVar aggregate classification (germline): Benign/Likely benign. Review status: criteria provided, multiple submitters, no conflicts (2 of 4 stars). 2 submissions from 2 submitters: Benign (1); Likely benign (1). Last evaluated 2022-09-21.

Conditions:
Cataract 18 (CATC2). Also called: CATARACT 18, AUTOSOMAL RECESSIVE. Identifiers: Orphanet 91492, Orphanet 98991, Orphanet 98992, Orphanet 98995, MedGen C1864908, MONDO:0012395, OMIM 610019.

Allele frequency attached by ClinVar (database versions not stated): gnomAD 0.00009 and 0.00010; TOPMed 0.00016.
gnomAD v4.1: 74 of 1,613,986 alleles (0.0046%); highest among the groups gnomAD compares: East Asian, 0.15%; no homozygotes.

Submissions (2):

Labcorp Genetics (formerly Invitae), Labcorp
Classification: Benign for Cataract 18. Last evaluated: 2022-09-21. Review status: criteria provided, single submitter. Criteria: Invitae Variant Classification Sherloc (09022015). Collection method: clinical testing. Allele origin: germline.

Illumina Laboratory Services, Illumina
Classification: Likely benign for Cataract 18. Last evaluated: 2018-01-13. Review status: criteria provided, single submitter. Criteria: ICSL Variant Classification Criteria 13 December 2019. Collection method: clinical testing. Allele origin: germline.
Comment: This variant was observed in the ICSL laboratory as part of a predisposition screen in an ostensibly healthy population. It had not been previously curated by ICSL or reported in the Human Gene Mutation Database (HGMD: prior to June 1st, 2018), and was therefore a candidate for classification through an automated scoring system. Utilizing variant allele frequency, disease prevalence and penetrance estimates, and inheritance mode, an automated score was calculated to assess if this variant is too frequent to cause the disease. Based on the score and internal cut-off values, a variant classified as likely benign is not then subjected to further curation. The score for this variant resulted in a classification of likely benign for this disease.

NM_024513.4(FYCO1):c.2109G>A (p.Gln703=)

Gene: FYCO1 (FYVE and coiled-coil domain autophagy adaptor 1; minus strand). Cytogenetic location: 3p21.31.
Variant type: single nucleotide variant.
Coding change: c.2109G>A on transcript NM_024513.4 (MANE Select); coding-DNA position 2109, G replaced by A.
Protein change: p.Gln703=; no amino-acid change (glutamine 703 retained).
Molecular consequence: synonymous variant.
Genome position (GRCh38, 1-based): chr3:45,967,225, C>T on the plus strand (G>A on the coding strand, the complement: FYCO1 is on the minus strand). VCF-style: chr3-45967225-C-T. GRCh37 (hg19) VCF-style: chr3-46008717-C-T.
Identifiers: ClinVar variation 345513 (VCV000345513.9), dbSNP rs766375149, ClinGen allele CA2353118.
Genomic context (GRCh38, chr3:45,967,225, plus strand): 5'-TGCCAGTTGCTGGCACTGCTCCACCTCCTCCCGCAGCTGCTGACACTCGCCCTCCTTGCT[C>T]TGTAGAATGGCCTCCTTCTCTGCCATCTGGGCTTTCATGGCCTCCTTGGCCTTCCTTACA-3'
Protein context (NP_078789.2, residues 693-713): AQMAEKEAIL[Gln703=]SKEGECQQLR